The following is an entry in ClinVar:

NM_021625.5(TRPV4):c.2452C>T (p.Arg818Cys)

Gene: TRPV4 (transient receptor potential cation channel subfamily V member 4; minus strand). Cytogenetic location: 12q24.11.
Variant type: single nucleotide variant.
Coding change: c.2452C>T on transcript NM_021625.5 (MANE Select); coding-DNA position 2452, C replaced by T.
Protein change: p.Arg818Cys; replaces arginine 818 with cysteine.
Molecular consequence: missense variant.
Genome position (GRCh38, 1-based): chr12:109,784,322, G>A on the plus strand (C>T on the coding strand, the complement: TRPV4 is on the minus strand). VCF-style: chr12-109784322-G-A. GRCh37 (hg19) VCF-style: chr12-110222127-G-A.
Other names: c.2131C>T, p.Arg711Cys (NM_001177433.2); c.2272C>T, p.Arg758Cys (NM_147204.3); c.2311C>T, p.Arg771Cys (NM_001177428.2); c.2350C>T, p.Arg784Cys (NM_001177431.2); short protein forms R818C, R711C, R771C, R784C, R758C.
Identifiers: ClinVar variation 245760 (VCV000245760.10), dbSNP rs776544875, ClinGen allele CA6779920.
Genomic context (GRCh38, chr12:109,784,322, plus strand): 5'-AATTCGTGATGAGAATGGACTGGGGCTCCCCTCCGCACCCGCCCCTCCACTCACCCCTGC[G>A]GAGGCGGCCCACGGTATGCGAGAAGCCATAATACTGGTAGGTCTCATTCTTGCCCGGGTC-3'
Protein context (NP_067638.3, residues 808-828): YGFSHTVGRL[Arg818Cys]RDRWSSVVPR

ClinVar aggregate classification (germline): Uncertain significance. Review status: criteria provided, multiple submitters, no conflicts (2 of 4 stars). 4 submissions from 4 submitters: Uncertain significance (4). Last evaluated 2025-02-03.

Conditions:
Inborn genetic diseases. Identifiers: MedGen C0950123, MeSH D030342.
Charcot-Marie-Tooth disease axonal type 2C (HMSN2C). Also called: Charcot-Marie-Tooth Disease Type 2, TRPV4-Related (CMT2C); CHARCOT-MARIE-TOOTH DISEASE, AXONAL, AUTOSOMAL DOMINANT, TYPE 2C; Charcot-Marie-Tooth Neuropathy Type 2C. Identifiers: Orphanet 99937, MedGen C1853710, MONDO:0011633, OMIM 606071.

Allele frequency attached by ClinVar (database versions not stated): TOPMed below 0.00001; ExAC 0.00001; gnomAD 0.00001; gnomAD exomes 0.00001 and 0.00002.
gnomAD v4.1: 28 of 1,614,054 alleles (0.0017%); highest among the groups gnomAD compares: Admixed American, 0.0033%; no homozygotes.

Submissions (4):

Labcorp Genetics (formerly Invitae), Labcorp
Classification: Uncertain significance for Charcot-Marie-Tooth disease axonal type 2C. Last evaluated: 2025-02-03. Review status: criteria provided, single submitter. Criteria: Invitae Variant Classification Sherloc (09022015). Collection method: clinical testing. Allele origin: germline.
Comment: This sequence change replaces arginine, which is basic and polar, with cysteine, which is neutral and slightly polar, at codon 818 of the TRPV4 protein (p.Arg818Cys). This variant is present in population databases (rs776544875, gnomAD 0.003%). This variant has not been reported in the literature in individuals affected with TRPV4-related conditions. ClinVar contains an entry for this variant (Variation ID: 245760). Invitae Evidence Modeling of protein sequence and biophysical properties (such as structural, functional, and spatial information, amino acid conservation, physicochemical variation, residue mobility, and thermodynamic stability) has been performed for this missense variant. However, the output from this modeling did not meet the statistical confidence thresholds required to predict the impact of this variant on TRPV4 protein function. In summary, the available evidence is currently insufficient to determine the role of this variant in disease. Therefore, it has been classified as a Variant of Uncertain Significance.

Athena Diagnostics
Classification: Uncertain significance. Last evaluated: 2021-04-07. Review status: criteria provided, single submitter. Criteria: Athena Diagnostics criteria. Collection method: clinical testing. Allele origin: unknown.

Ambry Genetics
Classification: Uncertain significance for Inborn genetic diseases. Last evaluated: 2020-11-18. Review status: criteria provided, single submitter. Criteria: Ambry Variant Classification Scheme 2023. Collection method: clinical testing. Allele origin: germline.
Comment: The p.R818C variant (also known as c.2452C>T), located in coding exon 14 of the TRPV4 gene, results from a C to T substitution at nucleotide position 2452. The arginine at codon 818 is replaced by cysteine, an amino acid with highly dissimilar properties. This amino acid position is highly conserved in available vertebrate species. In addition, this alteration is predicted to be deleterious by in silico analysis. Since supporting evidence is limited at this time, the clinical significance of this alteration remains unclear.

GeneDx
Classification: Uncertain significance. Last evaluated: 2015-04-30. Review status: criteria provided, single submitter. Criteria: GeneDx Variant Classification (06012015). Collection method: clinical testing. Allele origin: germline. Affected: yes.
Comment: The R818C variant has not been published as pathogenic, nor has it been reported as a benign polymorphism to our knowledge. It was not observed in approximately 6,500 individuals of European and African American ancestry in the NHLBI Exome Sequencing Project, indicating it is not a common benign variant in these populations. The R818C variant is a non-conservative amino acid substitution, which is likely to impact secondary protein structure as these residues differ in polarity, charge, size and/or other properties. Additionally, this substitution occurs at a position that is conserved across species, and in silico analysis predicts this variant is probably damaging to the protein structure/function. However, missense variants in nearby residues have not been reported in the Human Gene Mutation Database in association with TRPV4-related disorders (Stenson et al., 2014). Therefore, based on the currently available information, it is unclear whether this variant is a pathogenic or a rare benign variant.

Literature cited by the submitters: PubMed 25363768 (cited by Athena Diagnostics).